The following is an entry in ClinVar:

ClinVar aggregate classification (germline): Uncertain significance. Review status: criteria provided, multiple submitters, no conflicts (2 of 4 stars). 3 submissions from 3 submitters: Uncertain significance (3). Last evaluated 2024-02-24.

Allele frequency attached by ClinVar (database versions not stated): gnomAD exomes 0.00001; ExAC 0.00008; ESP Exome Variant Server 0.00008; 1000 Genomes Project 30x 0.00016; 1000 Genomes Project 0.00020; gnomAD 0.00020; TOPMed 0.00020.
gnomAD v4.1: 54 of 1,614,024 alleles (0.0033%); highest among the groups gnomAD compares: African/African-American, 0.064%; no homozygotes.

Submissions (3):

Labcorp Genetics (formerly Invitae), Labcorp
Classification: Uncertain significance. Last evaluated: 2024-02-24. Review status: criteria provided, single submitter. Criteria: Invitae Variant Classification Sherloc (09022015). Collection method: clinical testing. Allele origin: germline.
Comment: This sequence change replaces isoleucine, which is neutral and non-polar, with threonine, which is neutral and polar, at codon 1092 of the KIAA0556 protein (p.Ile1092Thr). This variant is present in population databases (rs376325494, gnomAD 0.06%). This variant has not been reported in the literature in individuals affected with KIAA0556-related conditions. ClinVar contains an entry for this variant (Variation ID: 2080770). An algorithm developed to predict the effect of missense changes on protein structure and function (PolyPhen-2) suggests that this variant is likely to be disruptive. In summary, the available evidence is currently insufficient to determine the role of this variant in disease. Therefore, it has been classified as a Variant of Uncertain Significance.

Blueprint Genetics
Classification: Uncertain significance. Last evaluated: 2022-11-28. Review status: criteria provided, single submitter. Criteria: ACMG Guidelines, 2015. Collection method: clinical testing. Allele origin: germline.

Ambry Genetics
Classification: Uncertain significance. Last evaluated: 2022-07-22. Review status: criteria provided, single submitter. Criteria: Ambry Variant Classification Scheme 2023. Collection method: clinical testing. Allele origin: germline.

NM_015202.5(KATNIP):c.3275T>C (p.Ile1092Thr)

Gene: KATNIP (katanin interacting protein; plus strand). Cytogenetic location: 16p12.1.
Variant type: single nucleotide variant.
Coding change: c.3275T>C on transcript NM_015202.5 (MANE Select); coding-DNA position 3275, T replaced by C.
Protein change: p.Ile1092Thr; replaces isoleucine 1092 with threonine.
Molecular consequence: missense variant.
Genome position (GRCh38, 1-based): chr16:27,750,235, T>C. VCF-style: chr16-27750235-T-C. GRCh37 (hg19) VCF-style: chr16-27761556-T-C.
Other names: c.3275T>C (NM_015202.2); short protein forms I1092T.
Identifiers: ClinVar variation 2080770 (VCV002080770.6), dbSNP rs376325494, ClinGen allele CA7978182.